The following is an entry in ClinVar:

ClinVar aggregate classification (germline): Conflicting classifications of pathogenicity. Review status: criteria provided, conflicting classifications (1 of 4 stars). 2 submissions from 2 submitters: Likely pathogenic (1); Uncertain significance (1). Last evaluated 2026-10-14.

Conditions:
Autosomal recessive limb-girdle muscular dystrophy type 2O. Also called: MUSCULAR DYSTROPHY-DYSTROGLYCANOPATHY (LIMB-GIRDLE), TYPE C, 3; MUSCULAR DYSTROPHY-DYSTROGLYCANOPATHY, LIMB-GIRDLE, POMGNT1-RELATED; Limb-Girdle Muscular Dystrophy Type 3C. Identifiers: Orphanet 206564, MedGen C3150417, MONDO:0013161, OMIM 613157.

Submissions (2):

Cellular and Molecular Research Center, Cellular and Molecular Medicine Research Institute,, Urmia University of Medical Sciences
Classification: Likely pathogenic for Autosomal recessive limb-girdle muscular dystrophy type 2O. Last evaluated: 2026-10-14. Review status: criteria provided, single submitter. Criteria: ACMG Guidelines, 2015. Collection method: clinical testing. Allele origin: germline. Inheritance: Autosomal recessive inheritance. Affected: yes. Observed: 1 variant allele, 1 homozygote.
Comment: The POMGNT1 gene (OMIM: 606822), located on chromosome 1p34.1, encodes protein O-linked-mannose β-1,2-N-acetylglucosaminyltransferase 1, a Golgi-associated enzyme involved in O-mannosyl glycosylation of α-dystroglycan. This modification is essential for maintaining interactions between muscle cells, the extracellular matrix, and basement membranes. Molecular characterization of c.1398G>T: This variant represents a single-nucleotide substitution in which guanine (G) is replaced by thymine (T) at coding DNA position 1398. Since position 1398 is the third nucleotide of codon 466, the substitution may be synonymous or alter the encoded amino acid, depending on the reference codon. Its exact protein-level consequence must be established by reference-sequence translation rather than assumed. Disease-associated POMGNT1 mutations resulted in complete loss of glycosyltransferase activity through expression and enzymatic assays of mutant proteins. This established loss of POMGNT1 function as the principal disease mechanism. Defective glycosylation of α-dystroglycan subsequently impairs its interaction with extracellular matrix proteins, contributing to muscular dystrophy and abnormal brain development.

Kariminejad - Najmabadi Pathology & Genetics Center
Classification: Uncertain significance. Last evaluated: 2016-11-24. Review status: criteria provided, single submitter. Criteria: ACMG Guidelines, 2015. Collection method: clinical testing. Allele origin: germline. Inheritance: Autosomal recessive inheritance. Affected: yes.
Comment: PM2, PM3_Supporting, PP3

Literature cited by the submitters: DOI 10.1016/s0006-291x(03)00924-0 (cited by Cellular and Molecular Research Center, Cellular and Molecular Medicine Research Institute,, Urmia University of Medical Sciences).

NM_017739.4(POMGNT1):c.1398G>T (p.Trp466Cys)

Genes: POMGNT1 (protein O-linked mannose N-acetylglucosaminyltransferase 1 (beta 1,2-); minus strand), TSPAN1 (tetraspanin 1; plus strand). Cytogenetic location: 1p34.1.
Variant type: single nucleotide variant.
Coding change: c.1398G>T on transcript NM_017739.4 (MANE Select); coding-DNA position 1398, G replaced by T.
Protein change: p.Trp466Cys; replaces tryptophan 466 with cysteine.
Molecular consequence: missense variant.
Genome position (GRCh38, 1-based): chr1:46,192,323, C>A on the plus strand (G>T on the coding strand, the complement: POMGNT1 is on the minus strand). VCF-style: chr1-46192323-C-A. GRCh37 (hg19) VCF-style: chr1-46657995-C-A.
Other names: c.1398G>T, p.Trp466Cys (NM_001243766.2, NM_001410783.1); c.1332G>T, p.Trp444Cys (NM_001290129.3); c.969G>T, p.Trp323Cys (NM_001290130.2); short protein forms W323C, W444C, W466C.
Identifiers: ClinVar variation 3896956 (VCV003896956.2).